The following is an entry in ClinVar:

ClinVar aggregate classification (germline): Uncertain significance (1 of 4 stars; one submission).

Conditions:
Inborn genetic diseases. Identifiers: MedGen C0950123, MeSH D030342.

Submission:

Ambry Genetics
Classification: Uncertain significance for Inborn genetic diseases. Last evaluated: 2025-07-11. Review status: criteria provided, single submitter. Criteria: Ambry Variant Classification Scheme 2023. Collection method: clinical testing. Allele origin: germline.
Comment: The p.E139A variant (also known as c.416A>C), located in coding exon 1 of the SAMD9L gene, results from an A to C substitution at nucleotide position 416. The glutamic acid at codon 139 is replaced by alanine, an amino acid with dissimilar properties. This amino acid position is conserved. In addition, this alteration is predicted to be tolerated by in silico analysis. Based on the available evidence, the clinical significance of this variant remains unclear.

NM_152703.5(SAMD9L):c.416A>C (p.Glu139Ala)

Gene: SAMD9L (sterile alpha motif domain containing 9 like; minus strand). Cytogenetic location: 7q21.2.
Variant type: single nucleotide variant.
Coding change: c.416A>C on transcript NM_152703.5 (MANE Select); coding-DNA position 416, A replaced by C.
Protein change: p.Glu139Ala; replaces glutamic acid 139 with alanine.
Molecular consequence: missense variant.
Genome position (GRCh38, 1-based): chr7:93,135,556, T>G on the plus strand (A>C on the coding strand, the complement: SAMD9L is on the minus strand). VCF-style: chr7-93135556-T-G. GRCh37 (hg19) VCF-style: chr7-92764869-T-G.
Other names: c.416A>C, p.Glu139Ala (NM_001303496.3, NM_001303497.3, NM_001303498.3 and 5 more transcripts); short protein forms E139A.
Identifiers: ClinVar variation 4159320 (VCV004159320.1).